The following is an entry in ClinVar:

NM_201384.3(PLEC):c.3590T>C (p.Val1197Ala)

Gene: PLEC (plectin; minus strand). Cytogenetic location: 8q24.3.
Variant type: single nucleotide variant.
Coding change: c.3590T>C on transcript NM_201384.3 (MANE Select); coding-DNA position 3590, T replaced by C.
Protein change: p.Val1197Ala; replaces valine 1197 with alanine.
Molecular consequence: missense variant.
Genome position (GRCh38, 1-based): chr8:143,927,576, A>G on the plus strand (T>C on the coding strand, the complement: PLEC is on the minus strand). VCF-style: chr8-143927576-A-G. GRCh37 (hg19) VCF-style: chr8-145001744-A-G.
Other names: c.3671T>C, p.Val1224Ala (NM_000445.5); c.3548T>C, p.Val1183Ala (NM_201378.4); c.3524T>C, p.Val1175Ala (NM_201379.3); c.4001T>C, p.Val1334Ala (NM_201380.4); c.3494T>C, p.Val1165Ala (NM_201381.3); c.3590T>C, p.Val1197Ala (NM_201382.4); c.3602T>C, p.Val1201Ala (NM_201383.3); short protein forms V1165A, V1183A, V1201A, V1175A, V1197A, V1224A, V1334A.
Identifiers: ClinVar variation 1044546 (VCV001044546.5), dbSNP rs1205506786, ClinGen allele CA372565537.

ClinVar aggregate classification (germline): Uncertain significance (1 of 4 stars; one submission).

Conditions:
Epidermolysis bullosa simplex 5B, with muscular dystrophy (EBS5B). Also called: EPIDERMOLYSIS BULLOSA SIMPLEX AND LIMB-GIRDLE MUSCULAR DYSTROPHY; Epidermolysis bullosa simplex with muscular dystrophy. Identifiers: Orphanet 257, MedGen C2931072, MONDO:0009181, OMIM 226670.
Epidermolysis bullosa simplex 5C, with pyloric atresia (EBS5C). Also called: Epidermolysis bullosa simplex with pyloric atresia; PLEC-Related Epidermolysis Bullosa with Pyloric Atresia; PLEC1-Related Epidermolysis Bullosa with Pyloric Atresia. Identifiers: Orphanet 158684, MedGen C2677349, MONDO:0012807, OMIM 612138.
Autosomal recessive limb-girdle muscular dystrophy type 2Q (LGMDR17). Also called: MUSCULAR DYSTROPHY, LIMB-GIRDLE, AUTOSOMAL RECESSIVE 17. Identifiers: Orphanet 254361, MedGen C3150989, MONDO:0013390, OMIM 613723.
Epidermolysis bullosa simplex with nail dystrophy (EBS5D). Identifiers: MedGen C4225309, MONDO:0014661, OMIM 616487.
Epidermolysis bullosa simplex, Ogna type (EBS5A). Also called: Pidermolysis bullosa simplex 5A, Ogna type; EPIDERMOLYSIS BULLOSA SIMPLEX 5A, OGNA TYPE. Identifiers: Orphanet 79401, MedGen C0432317, MONDO:0007555, OMIM 131950.

Allele frequency attached by ClinVar (database versions not stated): gnomAD exomes below 0.00001.

Submission:

Labcorp Genetics (formerly Invitae), Labcorp
Classification: Uncertain significance for Autosomal recessive limb-girdle muscular dystrophy type 2Q; Epidermolysis bullosa simplex, Ogna type; Epidermolysis bullosa simplex with nail dystrophy; Epidermolysis bullosa simplex 5C, with pyloric atresia; Epidermolysis bullosa simplex 5B, with muscular dystrophy. Last evaluated: 2025-03-26. Review status: criteria provided, single submitter. Criteria: Invitae Variant Classification Sherloc (09022015). Collection method: clinical testing. Allele origin: germline.
Comment: This sequence change replaces valine, which is neutral and non-polar, with alanine, which is neutral and non-polar, at codon 1224 of the PLEC protein (p.Val1224Ala). This variant is not present in population databases (gnomAD no frequency). This variant has not been reported in the literature in individuals affected with PLEC-related conditions. ClinVar contains an entry for this variant (Variation ID: 1044546). Invitae Evidence Modeling of protein sequence and biophysical properties (such as structural, functional, and spatial information, amino acid conservation, physicochemical variation, residue mobility, and thermodynamic stability) indicates that this missense variant is not expected to disrupt PLEC protein function with a negative predictive value of 80%. In summary, the available evidence is currently insufficient to determine the role of this variant in disease. Therefore, it has been classified as a Variant of Uncertain Significance.